The following is an entry in ClinVar:

NM_003872.3(NRP2):c.2272C>A (p.Arg758=)

Gene: NRP2 (neuropilin 2; plus strand). Cytogenetic location: 2q33.3.
Variant type: single nucleotide variant.
Coding change: c.2272C>A on transcript NM_003872.3 (MANE Select); coding-DNA position 2272, C replaced by A.
Protein change: p.Arg758=; no amino-acid change (arginine 758 retained).
Molecular consequence: synonymous variant.
Genome position (GRCh38, 1-based): chr2:205,763,901, C>A. VCF-style: chr2-205763901-C-A. GRCh37 (hg19) VCF-style: chr2-206628625-C-A.
Other names: c.2272C>A, p.Arg758= (NM_018534.4, NM_201266.2, NM_201267.2 and 1 more transcripts).
Identifiers: ClinVar variation 3351441 (VCV003351441.1).

ClinVar aggregate classification (germline): Likely benign (0 of 4 stars; one submission).

Conditions:
NRP2-related disorder. Also called: NRP2-related condition.

gnomAD v4.1: 14 of 1,613,814 alleles (0.00087%); highest among the groups gnomAD compares: African/African-American, 0.013%; no homozygotes.

Submission:

PreventionGenetics, part of Exact Sciences
Classification: Likely benign for NRP2-related condition. Last evaluated: 2024-09-17. Review status: no assertion criteria provided. Collection method: clinical testing. Allele origin: germline.
Comment: This variant is classified as likely benign based on ACMG/AMP sequence variant interpretation guidelines (Richards et al. 2015 PMID: 25741868, with internal and published modifications).